The following is an entry in ClinVar:

NM_001849.4(COL6A2):c.1531G>C (p.Gly511Arg)

Gene: COL6A2 (collagen type VI alpha 2 chain; plus strand). Cytogenetic location: 21q22.3.
Variant type: single nucleotide variant.
Coding change: c.1531G>C on transcript NM_001849.4 (MANE Select); coding-DNA position 1531, G replaced by C.
Protein change: p.Gly511Arg; replaces glycine 511 with arginine.
Molecular consequence: missense variant.
Genome position (GRCh38, 1-based): chr21:46,122,117, G>C. VCF-style: chr21-46122117-G-C. GRCh37 (hg19) VCF-style: chr21-47542031-G-C.
Other names: c.1531G>C, p.Gly511Arg (NM_058174.3, NM_058175.3); short protein forms G511R.
Identifiers: ClinVar variation 1977658 (VCV001977658.5), dbSNP rs727502833, ClinGen allele CA410533609.

ClinVar aggregate classification (germline): Uncertain significance (1 of 4 stars; one submission).

Conditions:
Bethlem myopathy 1A. Also called: MYOPATHY, BENIGN CONGENITAL, WITH CONTRACTURES; Bethlem myopathy 1; Bethlem Muscular Dystrophy. Identifiers: Orphanet 610, MedGen CN029274, MONDO:0024530, OMIM 158810.

Allele frequency attached by ClinVar (database versions not stated): TOPMed below 0.00001; gnomAD 0.00001.
gnomAD v4.1: 1 of 1,612,598 alleles (0.000062%); highest among the groups gnomAD compares: Non-Finnish European, 0.000085%; no homozygotes.

Submission:

Labcorp Genetics (formerly Invitae), Labcorp
Classification: Uncertain significance for Bethlem myopathy 1A. Last evaluated: 2022-06-14. Review status: criteria provided, single submitter. Criteria: Invitae Variant Classification Sherloc (09022015). Collection method: clinical testing. Allele origin: germline.
Comment: In summary, the available evidence is currently insufficient to determine the role of this variant in disease. Therefore, it has been classified as a Variant of Uncertain Significance. Advanced modeling of protein sequence and biophysical properties (such as structural, functional, and spatial information, amino acid conservation, physicochemical variation, residue mobility, and thermodynamic stability) performed at Invitae indicates that this missense variant is expected to disrupt COL6A2 protein function. This variant has not been reported in the literature in individuals affected with COL6A2-related conditions. This variant is present in population databases (no rsID available, gnomAD 0.007%). This sequence change replaces glycine, which is neutral and non-polar, with arginine, which is basic and polar, at codon 511 of the COL6A2 protein (p.Gly511Arg). This variant disrupts the triple helix domain of COL6A2. Glycine residues within the Gly-Xaa-Yaa repeats of the triple helix domain are required for the structure and stability of fibrillar collagens (PMID: 7695699, 8218237, 19344236). In COL6A2, missense variants at these glycine residues are significantly enriched in individuals with autosomal dominant disease (PMID: 15689448, 24038877) compared to the general population (ExAC).

Literature cited by the submitters: PubMed 7695699; PubMed 8218237; PubMed 19344236; PubMed 15689448; PubMed 24038877.